The following is an entry in ClinVar:

ClinVar aggregate classification (germline): Likely benign (0 of 4 stars; one submission).

Conditions:
CUX2-related disorder. Also called: CUX2-related condition.

Submission:

PreventionGenetics, part of Exact Sciences
Classification: Likely benign for CUX2-related condition. Last evaluated: 2022-07-25. Review status: no assertion criteria provided. Collection method: clinical testing. Allele origin: germline.
Comment: This variant is classified as likely benign based on ACMG/AMP sequence variant interpretation guidelines (Richards et al. 2015 PMID: 25741868, with internal and published modifications).

NM_015267.4(CUX2):c.705-3C>T

Gene: CUX2 (cut like homeobox 2; plus strand). Cytogenetic location: 12q24.11.
Variant type: single nucleotide variant.
Coding change: c.705-3C>T on transcript NM_015267.4 (MANE Select); 3 bases into the intron before coding-DNA position 705, C replaced by T.
Molecular consequence: intron variant.
Genome position (GRCh38, 1-based): chr12:111,298,538, C>T. VCF-style: chr12-111298538-C-T. GRCh37 (hg19) VCF-style: chr12-111736342-C-T.
Other names: c.519-3C>T (NM_001370598.1).
Identifiers: ClinVar variation 3030648 (VCV003030648.2), dbSNP rs2499790686, ClinGen allele CA2740092607.
Genomic context (GRCh38, chr12:111,298,538, plus strand): 5'-GGAGGGGCGGGGGCCTGGAGCCCGCCGGAAGCCCTTCCTCAGGGCCTCATCTTTGTGTCT[C>T]AGGGCAGATGAAGTCGGCCTGATCATGACCAACCTGGAGAAAGCTAATCAGGTGAGGAGG-3'